The following is an entry in ClinVar:

ClinVar aggregate classification (germline): Uncertain significance. Review status: criteria provided, multiple submitters, no conflicts (2 of 4 stars). 2 submissions from 2 submitters: Uncertain significance (2). Last evaluated 2025-10-15.

Conditions:
Inborn genetic diseases. Identifiers: MedGen C0950123, MeSH D030342.
Epidermolysis bullosa simplex 5B, with muscular dystrophy (EBS5B). Also called: EPIDERMOLYSIS BULLOSA SIMPLEX AND LIMB-GIRDLE MUSCULAR DYSTROPHY; Epidermolysis bullosa simplex with muscular dystrophy. Identifiers: Orphanet 257, MedGen C2931072, MONDO:0009181, OMIM 226670.
Epidermolysis bullosa simplex 5C, with pyloric atresia (EBS5C). Also called: Epidermolysis bullosa simplex with pyloric atresia; PLEC-Related Epidermolysis Bullosa with Pyloric Atresia; PLEC1-Related Epidermolysis Bullosa with Pyloric Atresia. Identifiers: Orphanet 158684, MedGen C2677349, MONDO:0012807, OMIM 612138.
Autosomal recessive limb-girdle muscular dystrophy type 2Q (LGMDR17). Also called: MUSCULAR DYSTROPHY, LIMB-GIRDLE, AUTOSOMAL RECESSIVE 17. Identifiers: Orphanet 254361, MedGen C3150989, MONDO:0013390, OMIM 613723.
Epidermolysis bullosa simplex with nail dystrophy (EBS5D). Identifiers: MedGen C4225309, MONDO:0014661, OMIM 616487.
Epidermolysis bullosa simplex, Ogna type (EBS5A). Also called: Pidermolysis bullosa simplex 5A, Ogna type; EPIDERMOLYSIS BULLOSA SIMPLEX 5A, OGNA TYPE. Identifiers: Orphanet 79401, MedGen C0432317, MONDO:0007555, OMIM 131950.

Allele frequency attached by ClinVar (database versions not stated): gnomAD exomes below 0.00001 and 0.00001; TOPMed 0.00002; gnomAD 0.00003 and 0.00004.
gnomAD v4.1: 20 of 1,612,802 alleles (0.0012%); highest among the groups gnomAD compares: Admixed American, 0.0017%; no homozygotes.

Submissions (2):

Ambry Genetics
Classification: Uncertain significance for Inborn genetic diseases. Last evaluated: 2025-10-15. Review status: criteria provided, single submitter. Criteria: Ambry Variant Classification Scheme 2023. Collection method: clinical testing. Allele origin: germline.

Labcorp Genetics (formerly Invitae), Labcorp
Classification: Uncertain significance for Autosomal recessive limb-girdle muscular dystrophy type 2Q; Epidermolysis bullosa simplex, Ogna type; Epidermolysis bullosa simplex with nail dystrophy; Epidermolysis bullosa simplex 5C, with pyloric atresia; Epidermolysis bullosa simplex 5B, with muscular dystrophy. Last evaluated: 2025-05-05. Review status: criteria provided, single submitter. Criteria: Invitae Variant Classification Sherloc (09022015). Collection method: clinical testing. Allele origin: germline.
Comment: This sequence change replaces arginine, which is basic and polar, with histidine, which is basic and polar, at codon 218 of the PLEC protein (p.Arg218His). This variant is present in population databases (no rsID available, gnomAD 0.003%). This variant has not been reported in the literature in individuals affected with PLEC-related conditions. ClinVar contains an entry for this variant (Variation ID: 1436732). Experimental studies and prediction algorithms are not available or were not evaluated, and the functional significance of this variant is currently unknown. In summary, the available evidence is currently insufficient to determine the role of this variant in disease. Therefore, it has been classified as a Variant of Uncertain Significance.

NM_201384.3(PLEC):c.572G>A (p.Arg191His)

Gene: PLEC (plectin; minus strand). Cytogenetic location: 8q24.3.
Variant type: single nucleotide variant.
Coding change: c.572G>A on transcript NM_201384.3 (MANE Select); coding-DNA position 572, G replaced by A.
Protein change: p.Arg191His; replaces arginine 191 with histidine.
Molecular consequence: missense variant.
Genome position (GRCh38, 1-based): chr8:143,935,878, C>T on the plus strand (G>A on the coding strand, the complement: PLEC is on the minus strand). VCF-style: chr8-143935878-C-T. GRCh37 (hg19) VCF-style: chr8-145010046-C-T.
Other names: c.530G>A, p.Arg177His (NM_201378.4); c.506G>A, p.Arg169His (NM_201379.3); c.983G>A, p.Arg328His (NM_201380.4); c.476G>A, p.Arg159His (NM_201381.3); c.572G>A, p.Arg191His (NM_201382.4); c.584G>A, p.Arg195His (NM_201383.3); c.653G>A, p.Arg218His (NM_000445.5); c.653G>A (NM_000445.3); short protein forms R159H, R169H, R177H, R195H, R328H, R191H, R218H.
Identifiers: ClinVar variation 1436732 (VCV001436732.7), dbSNP rs1332680362, ClinGen allele CA372588353.
Genomic context (GRCh38, chr8:143,935,878, plus strand): 5'-CCACAGCCCCCTGCCCCCGGGGCCATGTACTTGTGCCGGTGGATGATGGCATTGAAGAGG[C>T]GGCCGTCTCTCCAGCTGGAGGTGAAGTTGTCGCATCGCAGGCCCTGGTACCCCTCCACCA-3'
Protein context (NP_958786.1, residues 181-201): DNFTSSWRDG[Arg191His]LFNAIIHRHK